The following is an entry in ClinVar:

ClinVar aggregate classification (germline): Uncertain significance (1 of 4 stars; one submission).

Conditions:
Amyotrophic lateral sclerosis type 15. Also called: AMYOTROPHIC LATERAL SCLEROSIS 15 WITH FRONTOTEMPORAL DEMENTIA. Identifiers: Orphanet 803, MedGen C3275459, MONDO:0010459, OMIM 300857.

Submission:

Labcorp Genetics (formerly Invitae), Labcorp
Classification: Uncertain significance for Amyotrophic lateral sclerosis type 15. Last evaluated: 2025-02-11. Review status: criteria provided, single submitter. Criteria: Invitae Variant Classification Sherloc (09022015). Collection method: clinical testing. Allele origin: germline.
Comment: This sequence change replaces proline, which is neutral and non-polar, with leucine, which is neutral and non-polar, at codon 578 of the UBQLN2 protein (p.Pro578Leu). This variant is not present in population databases (gnomAD no frequency). This variant has not been reported in the literature in individuals affected with UBQLN2-related conditions. ClinVar contains an entry for this variant (Variation ID: 2755691). Invitae Evidence Modeling of protein sequence and biophysical properties (such as structural, functional, and spatial information, amino acid conservation, physicochemical variation, residue mobility, and thermodynamic stability) indicates that this missense variant is not expected to disrupt UBQLN2 protein function with a negative predictive value of 80%. In summary, the available evidence is currently insufficient to determine the role of this variant in disease. Therefore, it has been classified as a Variant of Uncertain Significance.

NM_013444.4(UBQLN2):c.1733C>T (p.Pro578Leu)

Gene: UBQLN2 (ubiquilin 2; plus strand). Cytogenetic location: Xp11.21.
Variant type: single nucleotide variant.
Coding change: c.1733C>T on transcript NM_013444.4 (MANE Select); coding-DNA position 1733, C replaced by T.
Protein change: p.Pro578Leu; replaces proline 578 with leucine.
Molecular consequence: missense variant.
Genome position (GRCh38, 1-based): chrX:56,565,606, C>T. VCF-style: chrX-56565606-C-T. GRCh37 (hg19) VCF-style: chrX-56592039-C-T.
Other names: short protein forms P578L.
Identifiers: ClinVar variation 2755691 (VCV002755691.3), dbSNP rs2519963793, ClinGen allele CA413381171.
Genomic context (GRCh38, chrX:56,565,606, plus strand): 5'-AGTTCATTCAGCAAATGGTGCAGGCCCTGGCTGGAGCAAATGCTCCACAGCTGCCGAATC[C>T]AGAAGTCAGATTTCAGCAACAACTGGAACAGCTCAACGCAATGGGGTTCTTAAACCGTGA-3'
Protein context (NP_038472.2, residues 568-588): AGANAPQLPN[Pro578Leu]EVRFQQQLEQ